The following is an entry in ClinVar:

ClinVar aggregate classification (germline): Likely benign. Review status: criteria provided, multiple submitters, no conflicts (2 of 4 stars). 3 submissions from 3 submitters: Likely benign (3). Last evaluated 2023-12-27.

Conditions:
Early-infantile DEE. Also called: Ohtahara syndrome; Early infantile epileptic encephalopathy with suppression bursts; Early infantile epileptic encephalopathy. Identifiers: Orphanet 1934, MedGen C0393706, MONDO:0800491.
Inborn genetic diseases. Identifiers: MedGen C0950123, MeSH D030342.

Allele frequency attached by ClinVar (database versions not stated): gnomAD exomes 0.00003 and 0.00004; gnomAD 0.00001 and 0.00003; ExAC 0.00002; TOPMed 0.00002.
gnomAD v4.1: 58 of 1,613,800 alleles (0.0036%); highest among the groups gnomAD compares: Admixed American, 0.005%; no homozygotes.

Submissions (3):

Labcorp Genetics (formerly Invitae), Labcorp
Classification: Likely benign for Early-infantile DEE. Last evaluated: 2023-12-27. Review status: criteria provided, single submitter. Criteria: Invitae Variant Classification Sherloc (09022015). Collection method: clinical testing. Allele origin: germline.

CeGaT Center for Human Genetics Tuebingen
Classification: Likely benign. Last evaluated: 2023-04-01. Review status: criteria provided, single submitter. Criteria: CeGaT Center For Human Genetics Tuebingen Variant Classification Criteria Version 2. Collection method: clinical testing. Allele origin: germline. Affected: yes. Observed: 1 variant allele.
Comment: GNAO1: BP4, BP7

Ambry Genetics
Classification: Likely benign for Inborn genetic diseases. Last evaluated: 2017-06-29. Review status: criteria provided, single submitter. Criteria: Ambry Variant Classification Scheme 2023. Collection method: clinical testing. Allele origin: germline.

NM_020988.3(GNAO1):c.495C>T (p.Ala165=)

Gene: GNAO1 (G protein subunit alpha o1; plus strand). Cytogenetic location: 16q13.
Variant type: single nucleotide variant.
Coding change: c.495C>T on transcript NM_020988.3 (MANE Select); coding-DNA position 495, C replaced by T.
Protein change: p.Ala165=; no amino-acid change (alanine 165 retained).
Molecular consequence: synonymous variant.
Genome position (GRCh38, 1-based): chr16:56,334,759, C>T. VCF-style: chr16-56334759-C-T. GRCh37 (hg19) VCF-style: chr16-56368671-C-T.
Other names: c.495C>T, p.Ala165= (NM_138736.3).
Identifiers: ClinVar variation 697668 (VCV000697668.35), dbSNP rs745503611, ClinGen allele CA8063786.